The following is an entry in ClinVar:

NM_006231.4(POLE):c.4742_4755delinsTCCTGTTCAGTCCA (p.Gly1581_Ile1585delinsValLeuPheSerPro)

Gene: POLE (DNA polymerase epsilon, catalytic subunit; minus strand). Cytogenetic location: 12q24.33.
Variant type: Indel.
Coding change: c.4742_4755delinsTCCTGTTCAGTCCA on transcript NM_006231.4 (MANE Select); coding-DNA positions 4742 to 4755, GGCCCACACTCATC replaced by TCCTGTTCAGTCCA.
Protein change: p.Gly1581_Ile1585delinsValLeuPheSerPro.
Molecular consequence: missense variant.
Genome position (GRCh38, 1-based): chr12:132,642,703-132,642,716, GATGAGTGTGGGCC replaced by TGGACTGAACAGGA on the plus strand (GGCCCACACTCATC replaced by TCCTGTTCAGTCCA on the coding strand, the reverse complement: POLE is on the minus strand). VCF-style: chr12-132642703-GATGAGTGTGGGCC-TGGACTGAACAGGA. GRCh37 (hg19) VCF-style: chr12-133219289-GATGAGTGTGGGCC-TGGACTGAACAGGA.
Identifiers: ClinVar variation 4862262 (VCV004862262.1).
Genomic context (GRCh38, chr12:132,642,703, plus strand): 5'-TTCCTCCAAGACAGGAATTTCACTGGCCAGCCTCTTCAGCTCCCAGCTGGACTGAACAGC[GATGAGTGTGGGCC>TGGACTGAACAGGA]CCCGGCGCTCCTCCTGGGTCAAGGCAAAATGGAAGAAAAGACCTGGGTGGACCCAGCCTC-3'

ClinVar aggregate classification (germline): Uncertain significance (1 of 4 stars; one submission).

Conditions:
Hereditary cancer-predisposing syndrome. Also called: Neoplastic Syndromes, Hereditary; Tumor predisposition; Hereditary Cancer Syndrome; Hereditary neoplastic syndrome. Identifiers: Orphanet 140162, MedGen C0027672, MeSH D009386, MONDO:0015356.

Submission:

Ambry Genetics
Classification: Uncertain significance for Hereditary cancer-predisposing syndrome. Last evaluated: 2026-04-13. Review status: criteria provided, single submitter. Criteria: Ambry Variant Classification Scheme 2023. Collection method: clinical testing. Allele origin: germline.
Comment: The c.4742_4755del14ins14 variant (also known as p.G1581_I1585delinsVLFSP), located in coding exon 37 of the POLE gene, results from an in-frame deletion of GGCCCACACTCATC and insertion of TCCTGTTCAGTCCA at nucleotide positions 4742 to 4755. This results in the substitution of GPTLI residues for VLFSP residues at codons 1581 to 1585. This amino acid region is highly conserved in available vertebrate species. Based on the available evidence, the clinical significance of this variant remains unclear.